The following is an entry in ClinVar:

ClinVar aggregate classification (germline): Uncertain significance (1 of 4 stars; one submission).

Submission:

CeGaT Center for Human Genetics Tuebingen
Classification: Uncertain significance. Last evaluated: 2023-07-01. Review status: criteria provided, single submitter. Criteria: CeGaT Center For Human Genetics Tuebingen Variant Classification Criteria Version 2. Collection method: clinical testing. Allele origin: germline. Affected: yes. Observed: 1 variant allele.
Comment: RYR1: PM2, PP3

NM_000540.3(RYR1):c.6664-8T>A

Gene: RYR1 (ryanodine receptor 1; plus strand). Cytogenetic location: 19q13.2.
Variant type: single nucleotide variant.
Coding change: c.6664-8T>A on transcript NM_000540.3 (MANE Select); 8 bases into the intron before coding-DNA position 6664, T replaced by A.
Molecular consequence: intron variant.
Genome position (GRCh38, 1-based): chr19:38,496,401, T>A. VCF-style: chr19-38496401-T-A. GRCh37 (hg19) VCF-style: chr19-38987041-T-A.
Other names: c.6664-8T>A (NM_001042723.2).
Identifiers: ClinVar variation 2649800 (VCV002649800.24), dbSNP rs1376871588, ClinGen allele CA2695198197.
Genomic context (GRCh38, chr19:38,496,401, plus strand): 5'-GGCAGGTGCTGGGGAGCTCAGGGGAGGCAGCCACAGAGGGCAGGCCCTGACCACCCTGCC[T>A]GTCCCAGGAGATCCGCTTCCCCAAGATGGTGACAAGCTGCTGCCGCTTCCTCTGCTATTT-3'